The following is an entry in ClinVar:

ClinVar aggregate classification (germline): Uncertain significance (1 of 4 stars; one submission).

Allele frequency attached by ClinVar (database versions not stated): TOPMed 0.00001; ExAC 0.00001; gnomAD 0.00003; ESP Exome Variant Server 0.00015.
gnomAD v4.1: 7 of 1,613,994 alleles (0.00043%); highest among the groups gnomAD compares: African/African-American, 0.0093%; no homozygotes.

Submission:

Labcorp Genetics (formerly Invitae), Labcorp
Classification: Uncertain significance. Last evaluated: 2025-06-12. Review status: criteria provided, single submitter. Criteria: Invitae Variant Classification Sherloc (09022015). Collection method: clinical testing. Allele origin: germline.
Comment: This sequence change replaces proline, which is neutral and non-polar, with serine, which is neutral and polar, at codon 299 of the PODXL protein (p.Pro299Ser). This variant is not present in population databases (gnomAD no frequency). This variant has not been reported in the literature in individuals affected with PODXL-related conditions. ClinVar contains an entry for this variant (Variation ID: 2969052). An algorithm developed to predict the effect of missense changes on protein structure and function outputs the following: PolyPhen-2: "Benign". The serine amino acid residue is found in multiple mammalian species, which suggests that this missense change does not adversely affect protein function. In summary, the available evidence is currently insufficient to determine the role of this variant in disease. Therefore, it has been classified as a Variant of Uncertain Significance.

NM_001018111.3(PODXL):c.991C>T (p.Pro331Ser)

Gene: PODXL (podocalyxin like; minus strand). Cytogenetic location: 7q32.3.
Variant type: single nucleotide variant.
Coding change: c.991C>T on transcript NM_001018111.3 (MANE Select); coding-DNA position 991, C replaced by T.
Protein change: p.Pro331Ser; replaces proline 331 with serine.
Molecular consequence: missense variant.
Genome position (GRCh38, 1-based): chr7:131,509,397, G>A on the plus strand (C>T on the coding strand, the complement: PODXL is on the minus strand). VCF-style: chr7-131509397-G-A. GRCh37 (hg19) VCF-style: chr7-131194156-G-A.
Other names: c.895C>T, p.Pro299Ser (NM_005397.4); short protein forms P299S, P331S.
Identifiers: ClinVar variation 2969052 (VCV002969052.3), dbSNP rs149080939, ClinGen allele CA4488565.